The following is an entry in ClinVar:

NM_001873.4(CPE):c.27G>T (p.Leu9=)

Genes: CPE (carboxypeptidase E; plus strand), LOC129993339 (ATAC-STARR-seq lymphoblastoid silent region 15785; plus strand). Cytogenetic location: 4q32.3.
Variant type: single nucleotide variant.
Coding change: c.27G>T on transcript NM_001873.4 (MANE Select); coding-DNA position 27, G replaced by T.
Protein change: p.Leu9=; no amino-acid change (leucine 9 retained).
Molecular consequence: synonymous variant.
Genome position (GRCh38, 1-based): chr4:165,379,248, G>T. VCF-style: chr4-165379248-G-T. GRCh37 (hg19) VCF-style: chr4-166300400-G-T.
Identifiers: ClinVar variation 3356477 (VCV003356477.1).

ClinVar aggregate classification (germline): Likely benign (0 of 4 stars; one submission).

Conditions:
CPE-related disorder. Also called: CPE-related condition.

Submission:

PreventionGenetics, part of Exact Sciences
Classification: Likely benign for CPE-related condition. Last evaluated: 2023-01-12. Review status: no assertion criteria provided. Collection method: clinical testing. Allele origin: germline.
Comment: This variant is classified as likely benign based on ACMG/AMP sequence variant interpretation guidelines (Richards et al. 2015 PMID: 25741868, with internal and published modifications).